The following is an entry in ClinVar:

NM_000642.3(AGL):c.148dup (p.Tyr50fs)

Gene: AGL (amylo-alpha-1,6-glucosidase and 4-alpha-glucanotransferase; plus strand). Cytogenetic location: 1p21.2.
Variant type: Duplication.
Coding change: c.148dup on transcript NM_000642.3 (MANE Select); coding-DNA position 148, one base duplicated (T; older notation c.148dupT).
Protein change: p.Tyr50fs; shifts the reading frame from tyrosine 50.
Molecular consequence: frameshift variant.
Genome position (GRCh38, 1-based): chr1:99,861,568, T duplicated; the last of 2 consecutive T bases (chr1:99,861,567-99,861,568); duplicating either gives the same sequence. VCF-style (leftmost placement, unchanged base first): chr1-99861566-A-AT. GRCh37 (hg19) VCF-style: chr1-100327122-A-AT.
Other names: c.148dup, p.Tyr50Leufs (NM_000028.3, NM_000643.3, NM_000644.3 and 5 more transcripts); c.100dup, p.Tyr34Leufs (NM_000646.3); short protein forms Y34fs, Y50fs.
Identifiers: ClinVar variation 2696210 (VCV002696210.3), dbSNP rs2524491905, ClinGen allele CA2697552538.

ClinVar aggregate classification (germline): Pathogenic (1 of 4 stars; one submission).

Conditions:
Glycogen storage disease type III (GSD3). Also called: Cori disease; FORBES DISEASE. Identifiers: Orphanet 366, MedGen C0017922, MONDO:0009291, OMIM 232400.

Submission:

Labcorp Genetics (formerly Invitae), Labcorp
Classification: Pathogenic for Glycogen storage disease type III. Last evaluated: 2023-11-15. Review status: criteria provided, single submitter. Criteria: Invitae Variant Classification Sherloc (09022015). Collection method: clinical testing. Allele origin: germline.
Comment: This sequence change creates a premature translational stop signal (p.Tyr50Leufs*9) in the AGL gene. It is expected to result in an absent or disrupted protein product. Loss-of-function variants in AGL are known to be pathogenic (PMID: 19299494). This variant is not present in population databases (gnomAD no frequency). This variant has not been reported in the literature in individuals affected with AGL-related conditions. For these reasons, this variant has been classified as Pathogenic.

Literature cited by the submitters: PubMed 19299494.